The following is an entry in ClinVar:

ClinVar aggregate classification (germline): Likely benign. Review status: criteria provided, multiple submitters, no conflicts (2 of 4 stars). 2 submissions from 2 submitters: Likely benign (2). Last evaluated 2025-08-01.

Submissions (2):

CeGaT Center for Human Genetics Tuebingen
Classification: Likely benign. Last evaluated: 2025-08-01. Review status: criteria provided, single submitter. Criteria: CeGaT Center For Human Genetics Tuebingen Variant Classification Criteria Version 2. Collection method: clinical testing. Allele origin: germline. Affected: yes. Observed: 1 variant allele.
Comment: IRF2BPL: BS2

Blueprint Genetics
Classification: Likely benign. Last evaluated: 2024-09-24. Review status: criteria provided, single submitter. Criteria: ACMG Guidelines, 2015. Collection method: clinical testing. Allele origin: germline.

NM_024496.4(IRF2BPL):c.261_263del (p.Ala102del)

Genes: IRF2BPL (interferon regulatory factor 2 binding protein like; minus strand), LOC107984638 (uncharacterized LOC107984638; plus strand). Cytogenetic location: 14q24.3.
Variant type: Deletion.
Coding change: c.261_263del on transcript NM_024496.4 (MANE Select); coding-DNA positions 261 to 263, 3 bases deleted (AGC; older notation c.261_263delAGC).
Protein change: p.Ala102del; deletes alanine 102.
Molecular consequence: non-coding transcript variant (on NR_190000.1).
Genome position (GRCh38, 1-based): chr14:77,027,530-77,027,532, GCT deleted on the plus strand (AGC on the coding strand, the reverse complement: IRF2BPL is on the minus strand). VCF-style (leftmost placement, unchanged base first): chr14-77027529-CGCT-C. GRCh37 (hg19) VCF-style: chr14-77493872-CGCT-C.
Other names: short protein forms A102del.
Identifiers: ClinVar variation 4083946 (VCV004083946.9).
Genomic context (GRCh38, chr14:77,027,529, plus strand): 5'-CTGTTGCTGTTGCTGTTGCGCGGCGGCGGCGGCGGCCGCCGCTGCTGCCGCCGCCGCCGC[CGCT>C]TCCTTAGCCGACAGGGCCACTGTCTTGACCCCGACGGGCGGCGGCGGCCCGGGGGAGCGG-3'